The following is an entry in ClinVar:

ClinVar aggregate classification (germline): Uncertain significance (1 of 4 stars; one submission).

Conditions:
Oculofaciocardiodental syndrome (MCOPS2). Identifiers: Orphanet 2712, MedGen C1846265, MONDO:0010261, OMIM 300166.

Submission:

Labcorp Genetics (formerly Invitae), Labcorp
Classification: Uncertain significance for Oculofaciocardiodental syndrome. Last evaluated: 2022-09-10. Review status: criteria provided, single submitter. Criteria: Invitae Variant Classification Sherloc (09022015). Collection method: clinical testing. Allele origin: germline.
Comment: In summary, the available evidence is currently insufficient to determine the role of this variant in disease. Therefore, it has been classified as a Variant of Uncertain Significance. Algorithms developed to predict the effect of missense changes on protein structure and function are either unavailable or do not agree on the potential impact of this missense change (SIFT: "Deleterious"; PolyPhen-2: "Possibly Damaging"; Align-GVGD: "Class C0"). This variant has not been reported in the literature in individuals affected with BCOR-related conditions. This variant is present in population databases (no rsID available, gnomAD 0.005%). This sequence change replaces threonine, which is neutral and polar, with isoleucine, which is neutral and non-polar, at codon 128 of the BCOR protein (p.Thr128Ile).

NM_001123385.2(BCOR):c.383C>T (p.Thr128Ile)

Gene: BCOR (BCL6 corepressor; minus strand). Cytogenetic location: Xp11.4.
Variant type: single nucleotide variant.
Coding change: c.383C>T on transcript NM_001123385.2 (MANE Select); coding-DNA position 383, C replaced by T.
Protein change: p.Thr128Ile; replaces threonine 128 with isoleucine.
Molecular consequence: missense variant.
Genome position (GRCh38, 1-based): chrX:40,074,963, G>A on the plus strand (C>T on the coding strand, the complement: BCOR is on the minus strand). VCF-style: chrX-40074963-G-A. GRCh37 (hg19) VCF-style: chrX-39934216-G-A.
Other names: c.383C>T, p.Thr128Ile (NM_001123383.2, NM_001123384.2, NM_017745.6); short protein forms T128I.
Identifiers: ClinVar variation 1719209 (VCV001719209.5), dbSNP rs1252336622, ClinGen allele CA412748849.